The following is an entry in ClinVar:

NM_001378373.1(MBL2):c.726C>A (p.Ala242=)

Gene: MBL2 (mannose binding lectin 2; minus strand). Cytogenetic location: 10q21.1.
Variant type: single nucleotide variant.
Coding change: c.726C>A on transcript NM_001378373.1 (MANE Select); coding-DNA position 726, C replaced by A.
Protein change: p.Ala242=; no amino-acid change (alanine 242 retained).
Molecular consequence: synonymous variant.
Genome position (GRCh38, 1-based): chr10:52,768,158, G>T on the plus strand (C>A on the coding strand, the complement: MBL2 is on the minus strand). VCF-style: chr10-52768158-G-T. GRCh37 (hg19) VCF-style: chr10-54527918-G-T.
Other names: c.726C>A, p.Ala242= (NM_000242.3, NM_001378374.1).
Identifiers: ClinVar variation 2640479 (VCV002640479.25), dbSNP rs139905034, ClinGen allele CA5504260.

ClinVar aggregate classification (germline): Likely benign. Review status: criteria provided, multiple submitters, no conflicts (2 of 4 stars). 2 submissions from 2 submitters: Likely benign (2). Last evaluated 2024-10-17.

Allele frequency attached by ClinVar (database versions not stated): ExAC 0.00010; ESP Exome Variant Server 0.00031; 1000 Genomes Project 30x 0.00078; 1000 Genomes Project 0.00080.
gnomAD v4.1: 300 of 1,607,016 alleles (0.019%); highest among the groups gnomAD compares: African/African-American, 0.052%; 1 homozygote.

Submissions (2):

Blueprint Genetics
Classification: Likely benign. Last evaluated: 2024-10-17. Review status: criteria provided, single submitter. Criteria: ACMG Guidelines, 2015. Collection method: clinical testing. Allele origin: germline.

CeGaT Center for Human Genetics Tuebingen
Classification: Likely benign. Last evaluated: 2023-03-01. Review status: criteria provided, single submitter. Criteria: CeGaT Center For Human Genetics Tuebingen Variant Classification Criteria Version 2. Collection method: clinical testing. Allele origin: germline. Affected: yes. Observed: 2 variant alleles.
Comment: MBL2: BP4, BP7